The following is an entry in ClinVar:

ClinVar aggregate classification (germline): Uncertain significance (1 of 4 stars; one submission).

Conditions:
Ectodermal dysplasia and immunodeficiency 2. Identifiers: Orphanet 238468, Orphanet 98813, MedGen C2677481, MONDO:0012806, OMIM 612132.

Allele frequency attached by ClinVar (database versions not stated): gnomAD exomes below 0.00001.
gnomAD v4.1: 1 of 1,613,982 alleles (0.000062%); no homozygotes.

Submission:

Labcorp Genetics (formerly Invitae), Labcorp
Classification: Uncertain significance for Ectodermal dysplasia and immunodeficiency 2. Last evaluated: 2025-03-07. Review status: criteria provided, single submitter. Criteria: Invitae Variant Classification Sherloc (09022015). Collection method: clinical testing. Allele origin: germline.
Comment: This sequence change replaces aspartic acid, which is acidic and polar, with glycine, which is neutral and non-polar, at codon 306 of the NFKBIA protein (p.Asp306Gly). This variant is not present in population databases (gnomAD no frequency). This variant has not been reported in the literature in individuals affected with NFKBIA-related conditions. ClinVar contains an entry for this variant (Variation ID: 1720416). An algorithm developed to predict the effect of missense changes on protein structure and function (PolyPhen-2) suggests that this variant is likely to be disruptive. In summary, the available evidence is currently insufficient to determine the role of this variant in disease. Therefore, it has been classified as a Variant of Uncertain Significance.

NM_020529.3(NFKBIA):c.917A>G (p.Asp306Gly)

Gene: NFKBIA (NFKB inhibitor alpha; minus strand). Cytogenetic location: 14q13.2.
Variant type: single nucleotide variant.
Coding change: c.917A>G on transcript NM_020529.3 (MANE Select); coding-DNA position 917, A replaced by G.
Protein change: p.Asp306Gly; replaces aspartic acid 306 with glycine.
Molecular consequence: missense variant.
Genome position (GRCh38, 1-based): chr14:35,402,050, T>C on the plus strand (A>G on the coding strand, the complement: NFKBIA is on the minus strand). VCF-style: chr14-35402050-T-C. GRCh37 (hg19) VCF-style: chr14-35871256-T-C.
Other names: short protein forms D306G.
Identifiers: ClinVar variation 1720416 (VCV001720416.6), dbSNP rs2502179852, ClinGen allele CA389451796.